The following is an entry in ClinVar:

NM_058216.3(RAD51C):c.571G>T (p.Glu191Ter)

Gene: RAD51C (RAD51 paralog C; plus strand). Cytogenetic location: 17q22.
Variant type: single nucleotide variant.
Coding change: c.571G>T on transcript NM_058216.3 (MANE Select); coding-DNA position 571, G replaced by T.
Protein change: p.Glu191Ter; replaces glutamic acid 191 with a stop codon.
Molecular consequence: nonsense.
Genome position (GRCh38, 1-based): chr17:58,696,859, G>T. VCF-style: chr17-58696859-G-T. GRCh37 (hg19) VCF-style: chr17-56774220-G-T.
Other names: short protein forms E191*.
Identifiers: ClinVar variation 1749281 (VCV001749281.4), dbSNP rs1598460983, ClinGen allele CA400345560.
Genomic context (GRCh38, chr17:58,696,859, plus strand): 5'-GACCTTGCTACTGCCTGCATTCAGCACCTTCAGCTTATAGCAGAAAAACACAAGGGAGAG[G>T]GTAAGTTAGTAAATGATCTTCTTTTTTTCTGTATTAATAAAAGTAATTTGCATTTGTGCC-3'

ClinVar aggregate classification (germline): Likely pathogenic. Review status: criteria provided, multiple submitters, no conflicts (2 of 4 stars). 2 submissions from 2 submitters: Likely pathogenic (2). Last evaluated 2024-10-03.

Conditions:
Hereditary cancer-predisposing syndrome. Also called: Hereditary Cancer Syndrome; Hereditary neoplastic syndrome; Neoplastic Syndromes, Hereditary; Tumor predisposition. Identifiers: Orphanet 140162, MedGen C0027672, MeSH D009386, MONDO:0015356.
Breast-ovarian cancer, familial, susceptibility to, 3. Also called: RAD51C-Related Breast/Ovarian Cancer. Identifiers: Orphanet 145, MedGen C3150659, MONDO:0013253, OMIM 613399.

Submissions (2):

Ambry Genetics
Classification: Likely pathogenic for Hereditary cancer-predisposing syndrome. Last evaluated: 2024-10-03. Review status: criteria provided, single submitter. Criteria: Ambry Variant Classification Scheme 2023. Collection method: clinical testing. Allele origin: germline.
Comment: The p.E191* variant (also known as c.571G>T), located in coding exon 3 of the RAD51C gene, results from a G to T substitution at nucleotide position 571. This changes the amino acid from a glutamic acid to a stop codon within coding exon 3. However, this change occurs in the last base pair of coding exon 3, which makes it likely to have some effect on normal mRNA splicing. In silico splice site analysis predicts that this alteration may weaken the native splice donor site; however, direct evidence is insufficient at this time (Ambry internal data). This nucleotide position is highly conserved in available vertebrate species. This variant is considered to be rare based on population cohorts in the Genome Aggregation Database (gnomAD). Based on the majority of available evidence to date, this variant is likely to be pathogenic.

Baylor Genetics
Classification: Likely pathogenic for Breast-ovarian cancer, familial, susceptibility to, 3. Last evaluated: 2022-10-13. Review status: criteria provided, single submitter. Criteria: ACMG Guidelines, 2015. Collection method: clinical testing. Allele origin: unknown.